The following is an entry in ClinVar:

ClinVar aggregate classification (germline): Uncertain significance (1 of 4 stars; one submission).

Allele frequency attached by ClinVar (database versions not stated): gnomAD 0.00001; gnomAD exomes 0.00001 and 0.00002; ExAC 0.00002; TOPMed 0.00002.
gnomAD v4.1: 15 of 1,614,022 alleles (0.00093%); highest among the groups gnomAD compares: African/African-American, 0.0027%; no homozygotes.

Submission:

GeneDx
Classification: Uncertain significance. Last evaluated: 2019-10-15. Review status: criteria provided, single submitter. Criteria: GeneDx Variant Classification Process June 2021. Collection method: clinical testing. Allele origin: germline. Affected: yes.
Comment: In silico analysis, which includes protein predictors and evolutionary conservation, supports that this variant does not alter protein structure/function; Has not been previously published as pathogenic or benign to our knowledge

NM_052867.4(NALCN):c.4576G>A (p.Gly1526Ser)

Gene: NALCN (sodium leak channel, non-selective; minus strand). Cytogenetic location: 13q32.3.
Variant type: single nucleotide variant.
Coding change: c.4576G>A on transcript NM_052867.4 (MANE Select); coding-DNA position 4576, G replaced by A.
Protein change: p.Gly1526Ser; replaces glycine 1526 with serine.
Molecular consequence: missense variant.
Genome position (GRCh38, 1-based): chr13:101,065,432, C>T on the plus strand (G>A on the coding strand, the complement: NALCN is on the minus strand). VCF-style: chr13-101065432-C-T. GRCh37 (hg19) VCF-style: chr13-101717784-C-T.
Other names: c.4663G>A, p.Gly1555Ser (NM_001350748.2); c.4576G>A, p.Gly1526Ser (NM_001350749.2); c.4489G>A, p.Gly1497Ser (NM_001350750.2, NM_001350751.2); short protein forms G1497S, G1526S, G1555S.
Identifiers: ClinVar variation 1309358 (VCV001309358.2), dbSNP rs754064797, ClinGen allele CA7035096.